The following is an entry in ClinVar:

NM_001130009.3(GEN1):c.380C>T (p.Pro127Leu)

Gene: GEN1 (GEN1 Holliday junction 5' flap endonuclease; plus strand). Cytogenetic location: 2p24.2.
Variant type: single nucleotide variant.
Coding change: c.380C>T on transcript NM_001130009.3 (MANE Select); coding-DNA position 380, C replaced by T.
Protein change: p.Pro127Leu; replaces proline 127 with leucine.
Molecular consequence: missense variant.
Genome position (GRCh38, 1-based): chr2:17,764,928, C>T. VCF-style: chr2-17764928-C-T. GRCh37 (hg19) VCF-style: chr2-17946195-C-T.
Other names: c.380C>T, p.Pro127Leu (NM_182625.5); short protein forms P127L.
Identifiers: ClinVar variation 3853588 (VCV003853588.1).

ClinVar aggregate classification (germline): Uncertain significance (1 of 4 stars; one submission).

gnomAD v4.1: 2 of 1,614,018 alleles (0.00012%); highest among the groups gnomAD compares: South Asian, 0.0022%; no homozygotes.

Submission:

Ambry Genetics
Classification: Uncertain significance. Last evaluated: 2025-02-22. Review status: criteria provided, single submitter. Criteria: Ambry Variant Classification Scheme 2023. Collection method: clinical testing. Allele origin: germline.
Comment: The p.P127L variant (also known as c.380C>T), located in coding exon 3 of the GEN1 gene, results from a C to T substitution at nucleotide position 380. The proline at codon 127 is replaced by leucine, an amino acid with similar properties. This amino acid position is conserved. In addition, this alteration is predicted to be deleterious by in silico analysis. Based on the available evidence, the clinical significance of this variant remains unclear.